The following is an entry in ClinVar:

ClinVar aggregate classification (germline): Uncertain significance. Review status: criteria provided, multiple submitters, no conflicts (2 of 4 stars). 2 submissions from 2 submitters: Uncertain significance (2). Last evaluated 2022-12-28.

Conditions:
Emery-Dreifuss muscular dystrophy 5, autosomal dominant (EDMD5). Also called: EMERY-DREIFUSS MUSCULAR DYSTROPHY 5. Identifiers: Orphanet 261, MedGen C2751805, MONDO:0013072, OMIM 612999.

gnomAD v4.1: 14 of 1,613,946 alleles (0.00087%); highest among the groups gnomAD compares: African/African-American, 0.0013%; no homozygotes.

Submissions (2):

Ambry Genetics
Classification: Uncertain significance. Last evaluated: 2022-12-28. Review status: criteria provided, single submitter. Criteria: Ambry Variant Classification Scheme 2023. Collection method: clinical testing. Allele origin: germline.

Labcorp Genetics (formerly Invitae), Labcorp
Classification: Uncertain significance for Emery-Dreifuss muscular dystrophy 5, autosomal dominant. Last evaluated: 2022-01-21. Review status: criteria provided, single submitter. Criteria: Invitae Variant Classification Sherloc (09022015). Collection method: clinical testing. Allele origin: germline.
Comment: This sequence change replaces valine, which is neutral and non-polar, with leucine, which is neutral and non-polar, at codon 6817 of the SYNE2 protein (p.Val6817Leu). This variant is present in population databases (rs202235545, gnomAD 0.003%). This variant has not been reported in the literature in individuals affected with SYNE2-related conditions. Algorithms developed to predict the effect of missense changes on protein structure and function output the following: SIFT: "Tolerated"; PolyPhen-2: "Benign"; Align-GVGD: "Class C0". The leucine amino acid residue is found in multiple mammalian species, which suggests that this missense change does not adversely affect protein function. In summary, the available evidence is currently insufficient to determine the role of this variant in disease. Therefore, it has been classified as a Variant of Uncertain Significance.

NM_182914.3(SYNE2):c.20449G>T (p.Val6817Leu)

Gene: SYNE2 (spectrin repeat containing nuclear envelope protein 2; plus strand). Cytogenetic location: 14q23.2.
Variant type: single nucleotide variant.
Coding change: c.20449G>T on transcript NM_182914.3 (MANE Select); coding-DNA position 20449, G replaced by T.
Protein change: p.Val6817Leu; replaces valine 6817 with leucine.
Molecular consequence: missense variant.
Genome position (GRCh38, 1-based): chr14:64,224,527, G>T. VCF-style: chr14-64224527-G-T. GRCh37 (hg19) VCF-style: chr14-64691245-G-T.
Other names: c.20449G>T (NM_182914.2); c.20380G>T, p.Val6794Leu (NM_015180.6); c.1015G>T, p.Val339Leu (NM_182910.2); c.1393G>T, p.Val465Leu (NM_182913.4); short protein forms V6817L, V465L, V339L, V6794L.
Identifiers: ClinVar variation 1446945 (VCV001446945.4), dbSNP rs202235545, ClinGen allele CA7224867.